The following is an entry in ClinVar:

NM_006914.4(RORB):c.801_804del (p.His268fs)

Gene: RORB (RAR related orphan receptor B; plus strand). Cytogenetic location: 9q21.13.
Variant type: Microsatellite.
Coding change: c.801_804del on transcript NM_006914.4 (MANE Select); coding-DNA positions 801 to 804, 4 bases deleted (TCAC; older notation c.801_804delTCAC).
Protein change: p.His268fs; shifts the reading frame from histidine 268.
Molecular consequence: frameshift variant.
Genome position (GRCh38, 1-based): chr9:74,662,515-74,662,518, TCAC deleted; deleting any 4 consecutive bases within chr9:74,662,511-74,662,518 gives the same sequence; the c. name uses the placement nearest the transcript's 3' end. VCF-style (leftmost placement, unchanged base first): chr9-74662510-ATCAC-A. GRCh37 (hg19) VCF-style: chr9-77277426-ATCAC-A.
Other names: c.834_837del, p.His279fs (NM_001365023.1); short protein forms H268fs, H279fs.
Identifiers: ClinVar variation 1801094 (VCV001801094.2), dbSNP rs2489626234, ClinGen allele CA2580616208.

ClinVar aggregate classification (germline): Uncertain significance (1 of 4 stars; one submission).

Submission:

GeneDx
Classification: Uncertain significance. Last evaluated: 2023-01-24. Review status: criteria provided, single submitter. Criteria: GeneDx Variant Classification Process June 2021. Collection method: clinical testing. Allele origin: germline.
Comment: Frameshift variant predicted to result in protein truncation or nonsense mediated decay in a gene or region of a gene for which loss of function is not a well-established mechanism of disease; Not observed at significant frequency in large population cohorts (gnomAD); Has not been previously published as pathogenic or benign to our knowledge